The following is an entry in ClinVar:

ClinVar aggregate classification (germline): Benign/Likely benign. Review status: criteria provided, multiple submitters, no conflicts (2 of 4 stars). 4 submissions from 4 submitters: Benign (1); Likely benign (3). Last evaluated 2025-10-16.

Conditions:
Hereditary cancer-predisposing syndrome. Also called: Neoplastic Syndromes, Hereditary; Tumor predisposition; Hereditary Cancer Syndrome; Hereditary neoplastic syndrome. Identifiers: Orphanet 140162, MedGen C0027672, MeSH D009386, MONDO:0015356.
Hereditary nonpolyposis colorectal neoplasms. Identifiers: MedGen C0009405, MeSH D003123.
Lynch syndrome 4 (LYNCH4). Also called: Colorectal cancer, hereditary nonpolyposis, type 4; Hereditary non-polyposis colorectal cancer, type 4. Identifiers: Orphanet 144, MedGen C1838333, MONDO:0013699, OMIM 614337. Disease mechanism: loss of function.

Allele frequency attached by ClinVar (database versions not stated): gnomAD exomes below 0.00001; ExAC 0.00001; gnomAD 0.00001; TOPMed 0.00001.

Submissions (4):

Quest Diagnostics Nichols Institute San Juan Capistrano
Classification: Likely benign. Last evaluated: 2025-10-16. Review status: criteria provided, single submitter. Criteria: Quest Diagnostics criteria. Collection method: clinical testing. Allele origin: unknown.

Labcorp Genetics (formerly Invitae), Labcorp
Classification: Likely benign for Hereditary nonpolyposis colorectal neoplasms. Last evaluated: 2025-07-17. Review status: criteria provided, single submitter. Criteria: Invitae Variant Classification Sherloc (09022015). Collection method: clinical testing. Allele origin: germline.

Myriad Genetics, Inc.
Classification: Benign for Lynch syndrome 4. Last evaluated: 2025-01-30. Review status: criteria provided, single submitter. Criteria: Myriad Autosomal Dominant, Autosomal Recessive and X-Linked Classification Criteria (2023). Collection method: clinical testing. Allele origin: unknown.
Comment: This variant is considered benign. This variant is a silent/synonymous amino acid change and it is not expected to impact splicing.

Ambry Genetics
Classification: Likely benign for Hereditary cancer-predisposing syndrome. Last evaluated: 2019-11-08. Review status: criteria provided, single submitter. Criteria: Ambry Variant Classification Scheme 2023. Collection method: clinical testing. Allele origin: germline.

NM_000535.7(PMS2):c.1542C>T (p.His514=)

Gene: PMS2 (PMS1 homolog 2, mismatch repair system component; minus strand). Cytogenetic location: 7p22.1.
Variant type: single nucleotide variant.
Coding change: c.1542C>T on transcript NM_000535.7 (MANE Select); coding-DNA position 1542, C replaced by T.
Protein change: p.His514=; no amino-acid change (histidine 514 retained).
Molecular consequence: synonymous variant. On other transcripts: non-coding transcript variant (1).
Genome position (GRCh38, 1-based): chr7:5,987,223, G>A on the plus strand (C>T on the coding strand, the complement: PMS2 is on the minus strand). VCF-style: chr7-5987223-G-A. GRCh37 (hg19) VCF-style: chr7-6026854-G-A.
Other names: c.1542C>T (NM_000535.6); c.1137C>T, p.His379= (NM_001322003.2, NM_001322004.2, NM_001322005.2 and 1 more transcripts); c.1386C>T, p.His462= (NM_001322006.2); c.1224C>T, p.His408= (NM_001322007.2, NM_001322008.2); c.981C>T, p.His327= (NM_001322010.2); c.609C>T, p.His203= (NM_001322011.2, NM_001322012.2); c.969C>T, p.His323= (NM_001322013.2); c.1542C>T, p.His514= (NM_001322014.2); and 1 more.
Identifiers: ClinVar variation 525928 (VCV000525928.15), dbSNP rs763694602, ClinGen allele CA044265.